The following is an entry in ClinVar:

ClinVar aggregate classification (germline): Benign/Likely benign. Review status: criteria provided, multiple submitters, no conflicts (2 of 4 stars). 2 submissions from 2 submitters: Benign (1); Likely benign (1). Last evaluated 2022-12-25.

Conditions:
Dilated cardiomyopathy 1DD (CMD1DD). Identifiers: Orphanet 154, MedGen C2750995, MONDO:0013168, OMIM 613172.

gnomAD v4.1: 4 of 1,551,748 alleles (0.00026%); highest among the groups gnomAD compares: East Asian, 0.0024%; no homozygotes.

Submissions (2):

Labcorp Genetics (formerly Invitae), Labcorp
Classification: Likely benign for Dilated cardiomyopathy 1DD. Last evaluated: 2022-12-25. Review status: criteria provided, single submitter. Criteria: Invitae Variant Classification Sherloc (09022015). Collection method: clinical testing. Allele origin: germline.

GeneDx
Classification: Benign. Last evaluated: 2014-04-04. Review status: criteria provided, single submitter. Criteria: GeneDx Variant Classification (06012015). Collection method: clinical testing. Allele origin: germline. Affected: yes.
Comment: This variant is considered likely benign or benign based on one or more of the following criteria: it is a conservative change, it occurs at a poorly conserved position in the protein, it is predicted to be benign by multiple in silico algorithms, and/or has population frequency not consistent with disease.

NM_001134363.3(RBM20):c.2763C>T (p.Ile921=)

Gene: RBM20 (RNA binding motif protein 20; plus strand). Cytogenetic location: 10q25.2.
Variant type: single nucleotide variant.
Coding change: c.2763C>T on transcript NM_001134363.3 (MANE Select); coding-DNA position 2763, C replaced by T.
Protein change: p.Ile921=; no amino-acid change (isoleucine 921 retained).
Molecular consequence: synonymous variant.
Genome position (GRCh38, 1-based): chr10:110,821,382, C>T. VCF-style: chr10-110821382-C-T. GRCh37 (hg19) VCF-style: chr10-112581140-C-T.
Other names: p.I921I:ATC>ATT; c.2763C>T (LRG_382t1).
Identifiers: ClinVar variation 138902 (VCV000138902.8), dbSNP rs587781137, ClinGen allele CA333150.